The following is an entry in ClinVar:

NM_001103146.3(GIGYF2):c.340G>A (p.Val114Met)

Gene: GIGYF2 (GRB10 interacting GYF protein 2; plus strand). Cytogenetic location: 2q37.1.
Variant type: single nucleotide variant.
Coding change: c.340G>A on transcript NM_001103146.3 (MANE Select); coding-DNA position 340, G replaced by A.
Protein change: p.Val114Met; replaces valine 114 with methionine.
Molecular consequence: missense variant. On other transcripts: non-coding transcript variant (1).
Genome position (GRCh38, 1-based): chr2:232,756,295, G>A. VCF-style: chr2-232756295-G-A. GRCh37 (hg19) VCF-style: chr2-233621005-G-A.
Other names: c.340G>A, p.Val114Met (NM_001103147.2, NM_001103148.2, NM_015575.4); short protein forms V114M.
Identifiers: ClinVar variation 4891399 (VCV004891399.1).

ClinVar aggregate classification (germline): Uncertain significance (1 of 4 stars; one submission).

gnomAD v4.1: 1 of 1,592,018 alleles (0.000063%); highest among the groups gnomAD compares: Non-Finnish European, 0.000085%; no homozygotes.

Submission:

GeneDx
Classification: Uncertain significance. Last evaluated: 2023-09-11. Review status: criteria provided, single submitter. Criteria: GeneDx Variant Classification Process June 2021. Collection method: clinical testing. Allele origin: germline.
Comment: Not observed at significant frequency in large population cohorts (gnomAD); In silico analysis supports that this missense variant does not alter protein structure/function; Has not been previously published as pathogenic or benign to our knowledge; Variants in candidate genes are classified as variants of uncertain significance in accordance with ACMG guidelines (Richards et al., 2015)